The following is an entry in ClinVar:

ClinVar aggregate classification (germline): Uncertain significance (1 of 4 stars; one submission).

Submission:

GeneDx
Classification: Uncertain significance. Last evaluated: 2026-05-27. Review status: criteria provided, single submitter. Criteria: GeneDx Variant Classification Process June 2021. Collection method: clinical testing. Allele origin: germline.
Comment: Not observed at significant frequency in large population cohorts (gnomAD); In silico analysis suggests that this missense variant does not alter protein structure/function; Has not been previously published as pathogenic or benign to our knowledge

NM_000489.6(ATRX):c.1601C>G (p.Thr534Ser)

Gene: ATRX (ATRX chromatin remodeler; minus strand). Cytogenetic location: Xq21.1.
Variant type: single nucleotide variant.
Coding change: c.1601C>G on transcript NM_000489.6 (MANE Select); coding-DNA position 1601, C replaced by G.
Protein change: p.Thr534Ser; replaces threonine 534 with serine.
Molecular consequence: missense variant.
Genome position (GRCh38, 1-based): chrX:77,683,655, G>C on the plus strand (C>G on the coding strand, the complement: ATRX is on the minus strand). VCF-style: chrX-77683655-G-C. GRCh37 (hg19) VCF-style: chrX-76939147-G-C.
Other names: c.1487C>G, p.Thr496Ser (NM_138270.5); short protein forms T496S, T534S.
Identifiers: ClinVar variation 2444531 (VCV002444531.2), dbSNP rs2071384743, ClinGen allele CA413717209.